The following is an entry in ClinVar:

NM_015046.7(SETX):c.4935T>C (p.Ala1645=)

Gene: SETX (senataxin; minus strand). Cytogenetic location: 9q34.13.
Variant type: single nucleotide variant.
Coding change: c.4935T>C on transcript NM_015046.7 (MANE Select); coding-DNA position 4935, T replaced by C.
Protein change: p.Ala1645=; no amino-acid change (alanine 1645 retained).
Molecular consequence: synonymous variant.
Genome position (GRCh38, 1-based): chr9:132,326,663, A>G on the plus strand (T>C on the coding strand, the complement: SETX is on the minus strand). VCF-style: chr9-132326663-A-G. GRCh37 (hg19) VCF-style: chr9-135202050-A-G.
Other names: c.4935T>C, p.Ala1645= (NM_001351527.2, NM_001351528.2).
Identifiers: ClinVar variation 4789871 (VCV004789871.2).

ClinVar aggregate classification (germline): Likely benign. Review status: criteria provided, multiple submitters, no conflicts (2 of 4 stars). 2 submissions from 2 submitters: Likely benign (2). Last evaluated 2025-12-29.

Conditions:
Amyotrophic lateral sclerosis type 4 (ALS4). Also called: AMYOTROPHIC LATERAL SCLEROSIS 4, JUVENILE; NEURONOPATHY, DISTAL HEREDITARY MOTOR, WITH PYRAMIDAL FEATURES. Identifiers: Orphanet 357043, MedGen C1865409, MONDO:0011223, OMIM 602433.
Spinocerebellar ataxia, autosomal recessive, with axonal neuropathy 2 (SCAN2). Also called: Ataxia with Oculomotor Apraxia Type 2; ATAXIA-OCULOMOTOR APRAXIA 2; Ataxia with Oculomotor Apraxia; Ataxia-ocular apraxia-2. Identifiers: Orphanet 64753, MedGen C1853761, MONDO:0018996, OMIM 606002.
SETX-related disorder. Also called: SETX-related condition; SETX-related disorders. Identifiers: MedGen CN239403.

Submissions (2):

Labcorp Genetics (formerly Invitae), Labcorp
Classification: Likely benign for Amyotrophic lateral sclerosis type 4; Spinocerebellar ataxia, autosomal recessive, with axonal neuropathy 2. Last evaluated: 2025-12-29. Review status: criteria provided, single submitter. Criteria: Invitae Variant Classification Sherloc (09022015). Collection method: clinical testing. Allele origin: germline.

PreventionGenetics, part of Exact Sciences
Classification: Likely benign for SETX-related condition. Last evaluated: 2025-08-20. Review status: criteria provided, single submitter. Criteria: ACMG Guidelines, 2015. Collection method: clinical testing. Allele origin: germline.
Comment: This variant is classified as likely benign based on ACMG/AMP sequence variant interpretation guidelines (Richards et al. 2015 PMID: 25741868, with internal and published modifications).